The following is an entry in ClinVar:

NM_014804.3(KIAA0753):c.599C>A (p.Pro200His)

Gene: KIAA0753 (KIAA0753; minus strand). Cytogenetic location: 17p13.1.
Variant type: single nucleotide variant.
Coding change: c.599C>A on transcript NM_014804.3 (MANE Select); coding-DNA position 599, C replaced by A.
Protein change: p.Pro200His; replaces proline 200 with histidine.
Molecular consequence: missense variant. On other transcripts: 5 prime UTR variant (1), non-coding transcript variant (3).
Genome position (GRCh38, 1-based): chr17:6,628,236, G>T on the plus strand (C>A on the coding strand, the complement: KIAA0753 is on the minus strand). VCF-style: chr17-6628236-G-T. GRCh37 (hg19) VCF-style: chr17-6531556-G-T.
Other names: c.599C>A (NM_014804.2); c.-636C>A (NM_001351225.2); short protein forms P200H.
Identifiers: ClinVar variation 2108722 (VCV002108722.7), dbSNP rs2544519720, ClinGen allele CA397414547.

ClinVar aggregate classification (germline): Uncertain significance. Review status: criteria provided, multiple submitters, no conflicts (2 of 4 stars). 2 submissions from 2 submitters: Uncertain significance (2). Last evaluated 2022-07-13.

Submissions (2):

Labcorp Genetics (formerly Invitae), Labcorp
Classification: Uncertain significance. Last evaluated: 2022-07-13. Review status: criteria provided, single submitter. Criteria: Invitae Variant Classification Sherloc (09022015). Collection method: clinical testing. Allele origin: germline.
Comment: This sequence change replaces proline, which is neutral and non-polar, with histidine, which is basic and polar, at codon 200 of the KIAA0753 protein (p.Pro200His). This variant is not present in population databases (gnomAD no frequency). This variant has not been reported in the literature in individuals affected with KIAA0753-related conditions. Algorithms developed to predict the effect of missense changes on protein structure and function (SIFT, PolyPhen-2, Align-GVGD) all suggest that this variant is likely to be tolerated. In summary, the available evidence is currently insufficient to determine the role of this variant in disease. Therefore, it has been classified as a Variant of Uncertain Significance.

Revvity Omics, Revvity
Classification: Uncertain significance. Last evaluated: 2019-02-20. Review status: criteria provided, single submitter. Criteria: ACMG Guidelines, 2015. Collection method: clinical testing. Allele origin: germline.